The following is an entry in ClinVar:

ClinVar aggregate classification (germline): Uncertain significance (1 of 4 stars; one submission).

Allele frequency attached by ClinVar (database versions not stated): TOPMed below 0.00001; ExAC 0.00001; gnomAD 0.00002; 1000 Genomes Project 30x 0.00031; 1000 Genomes Project 0.00040.
gnomAD v4.1: 3 of 1,613,304 alleles (0.00019%); highest among the groups gnomAD compares: East Asian, 0.0067%; no homozygotes.

Submission:

Labcorp Genetics (formerly Invitae), Labcorp
Classification: Uncertain significance. Last evaluated: 2022-01-27. Review status: criteria provided, single submitter. Criteria: Invitae Variant Classification Sherloc (09022015). Collection method: clinical testing. Allele origin: germline.
Comment: Algorithms developed to predict the effect of missense changes on protein structure and function (SIFT, PolyPhen-2, Align-GVGD) all suggest that this variant is likely to be disruptive. In summary, the available evidence is currently insufficient to determine the role of this variant in disease. Therefore, it has been classified as a Variant of Uncertain Significance. This variant has not been reported in the literature in individuals affected with ACOX2-related conditions. This variant is present in population databases (rs578023477, gnomAD 0.006%). This sequence change replaces arginine, which is basic and polar, with glycine, which is neutral and non-polar, at codon 264 of the ACOX2 protein (p.Arg264Gly).

NM_003500.4(ACOX2):c.790A>G (p.Arg264Gly)

Gene: ACOX2 (acyl-CoA oxidase 2; minus strand). Cytogenetic location: 3p14.3.
Variant type: single nucleotide variant.
Coding change: c.790A>G on transcript NM_003500.4 (MANE Select); coding-DNA position 790, A replaced by G.
Protein change: p.Arg264Gly; replaces arginine 264 with glycine.
Molecular consequence: missense variant.
Genome position (GRCh38, 1-based): chr3:58,531,280, T>C on the plus strand (A>G on the coding strand, the complement: ACOX2 is on the minus strand). VCF-style: chr3-58531280-T-C. GRCh37 (hg19) VCF-style: chr3-58517007-T-C.
Other names: short protein forms R264G.
Identifiers: ClinVar variation 2155347 (VCV002155347.4), dbSNP rs578023477, ClinGen allele CA2472289.